The following is an entry in ClinVar:

ClinVar aggregate classification (germline): Pathogenic. Review status: criteria provided, single submitter (1 of 4 stars). 3 submissions from 2 submitters: Pathogenic (2). 1 of the submissions does not count toward it. Last evaluated 2026-01-08.

Conditions:
Optic neuropathy. Also called: Optic nerve disorder. Identifiers: MedGen C3887709, MONDO:0002135, HP:0001138.
Possible mitochondrial disorder - nuclear genes.
Optic atrophy. Identifiers: MedGen C0029124, MONDO:0003608, HP:0000648.

Submissions (3):

Genetics Laboratory, Great Ormond Street Hospital NHS Foundation Trust, North Thames Genomic Laboratory Hub
Classification: Pathogenic for Possible mitochondrial disorder - nuclear genes. Last evaluated: 2026-01-08. Review status: criteria provided, single submitter. Criteria: ACGS Best Practice Guidelines for Variant Classification in Rare Disease 2024 v1.2. Collection method: clinical testing. Allele origin: germline. Affected: yes.
Comment: PS4_supporting, PM2_moderate, PVS1_very-strong

Genetics Laboratory, Great Ormond Street Hospital NHS Foundation Trust, North Thames Genomic Laboratory Hub
Classification: Pathogenic for Optic neuropathy. Last evaluated: 2025-12-26. Review status: criteria provided, single submitter. Criteria: ACGS Best Practice Guidelines for Variant Classification in Rare Disease 2024 v1.2. Collection method: clinical testing. Allele origin: germline. Affected: yes.
Comment: the same text as in the submission from Genetics Laboratory, Great Ormond Street Hospital NHS Foundation Trust, North Thames Genomic Laboratory Hub above.

Institute of Human Genetics, Univ. Regensburg, Univ. Regensburg
Classification: Pathogenic for Optic atrophy. Last evaluated: 2022-01-01. Review status: no assertion criteria provided. Criteria: ACMG Guidelines, 2015. Collection method: clinical testing. Allele origin: germline. Affected: yes. Not counted in ClinVar's aggregate classification.

NM_130837.3(OPA1):c.814C>T (p.Gln272Ter)

Gene: OPA1 (OPA1 mitochondrial dynamin like GTPase; plus strand). Cytogenetic location: 3q29.
Variant type: single nucleotide variant.
Coding change: c.814C>T on transcript NM_130837.3 (MANE Select); coding-DNA position 814, C replaced by T.
Protein change: p.Gln272Ter; replaces glutamine 272 with a stop codon.
Molecular consequence: nonsense.
Genome position (GRCh38, 1-based): chr3:193,631,636, C>T. VCF-style: chr3-193631636-C-T. GRCh37 (hg19) VCF-style: chr3-193349425-C-T.
Other names: c.280C>T, p.Gln94Ter (NM_001354663.2); c.277C>T, p.Gln93Ter (NM_001354664.2); c.649C>T, p.Gln217Ter (NM_015560.3); c.541C>T, p.Gln181Ter (NM_130831.3); c.595C>T, p.Gln199Ter (NM_130832.3); c.652C>T, p.Gln218Ter (NM_130833.3); c.703C>T, p.Gln235Ter (NM_130834.3); c.706C>T, p.Gln236Ter (NM_130835.3); and 1 more; short protein forms Q181*, Q199*, Q217*, Q218*, Q235*, Q236*, Q254*, Q272*.
Identifiers: ClinVar variation 3250057 (VCV003250057.3).
Genomic context (GRCh38, chr3:193,631,636, plus strand): 5'-TAATTCTATTCAACTAAAATTATTTTAAACATTTAGGTGTCAGACAAAGAGAAAATTGAC[C>T]AACTTCAGGAAGAACTTCTGCACACTCAGGTAATCATGATGACTAAGAAAAACTAGGGAC-3'